The following is an entry in ClinVar:

NM_004364.5(CEBPA):c.325C>T (p.Pro109Ser)

Gene: CEBPA (CCAAT enhancer binding protein alpha; minus strand). Cytogenetic location: 19q13.11.
Variant type: single nucleotide variant.
Coding change: c.325C>T on transcript NM_004364.5 (MANE Select); coding-DNA position 325, C replaced by T.
Protein change: p.Pro109Ser; replaces proline 109 with serine.
Molecular consequence: missense variant. On other transcripts: 5 prime UTR variant (1).
Genome position (GRCh38, 1-based): chr19:33,302,090, G>A on the plus strand (C>T on the coding strand, the complement: CEBPA is on the minus strand). VCF-style: chr19-33302090-G-A. GRCh37 (hg19) VCF-style: chr19-33792996-G-A.
Other names: c.-33C>T (NM_001285829.2); c.430C>T, p.Pro144Ser (NM_001287424.2); c.283C>T, p.Pro95Ser (NM_001287435.2); c.325C>T (NM_004364.3); short protein forms P109S, P95S, P144S.
Identifiers: ClinVar variation 408750 (VCV000408750.13), dbSNP rs1027991203, ClinGen allele CA16616247.

ClinVar aggregate classification (germline): Conflicting classifications of pathogenicity. Review status: criteria provided, conflicting classifications (1 of 4 stars). 4 submissions from 4 submitters: Uncertain significance (3); Likely benign (1). Last evaluated 2025-12-10.

Conditions:
Inborn genetic diseases. Identifiers: MedGen C0950123, MeSH D030342.
Acute myeloid leukemia (AML). Also called: Leukemia, acute myeloid, somatic; Leukemia, acute myelogenous, somatic; Acute myeloid leukemia, adult; AML adult; Acute non-lymphocytic leukemia; Acute granulocytic leukemia. Identifiers: Orphanet 519, MedGen C0023467, MeSH D015470, MONDO:0018874, OMIM 601626, HP:0004808. Disease mechanism: Constitutively activated FLT3.

Allele frequency attached by ClinVar (database versions not stated): gnomAD exomes 0.00001 and 0.00004; TOPMed 0.00002; 1000 Genomes Project 30x 0.00016.
gnomAD v4.1: 5 of 1,310,094 alleles (0.00038%); highest among the groups gnomAD compares: East Asian, 0.0032%; no homozygotes.

Submissions (4):

Ambry Genetics
Classification: Uncertain significance for Inborn genetic diseases. Last evaluated: 2025-12-10. Review status: criteria provided, single submitter. Criteria: Ambry Variant Classification Scheme 2023. Collection method: clinical testing. Allele origin: germline.

Labcorp Genetics (formerly Invitae), Labcorp
Classification: Uncertain significance for Acute myeloid leukemia. Last evaluated: 2024-09-04. Review status: criteria provided, single submitter. Criteria: Invitae Variant Classification Sherloc (09022015). Collection method: clinical testing. Allele origin: germline.
Comment: This sequence change replaces proline, which is neutral and non-polar, with serine, which is neutral and polar, at codon 109 of the CEBPA protein (p.Pro109Ser). The frequency data for this variant in the population databases is considered unreliable, as metrics indicate poor data quality at this position in the gnomAD database. This variant has not been reported in the literature in individuals affected with CEBPA-related conditions. ClinVar contains an entry for this variant (Variation ID: 408750). Invitae Evidence Modeling of protein sequence and biophysical properties (such as structural, functional, and spatial information, amino acid conservation, physicochemical variation, residue mobility, and thermodynamic stability) indicates that this missense variant is not expected to disrupt CEBPA protein function with a negative predictive value of 80%. In summary, the available evidence is currently insufficient to determine the role of this variant in disease. Therefore, it has been classified as a Variant of Uncertain Significance.

Blueprint Genetics
Classification: Likely benign. Last evaluated: 2023-11-09. Review status: criteria provided, single submitter. Criteria: ACMG Guidelines, 2015. Collection method: clinical testing. Allele origin: germline.

Baylor Genetics
Classification: Uncertain significance for Acute myeloid leukemia. Last evaluated: 2023-08-29. Review status: criteria provided, single submitter. Criteria: ACMG Guidelines, 2015. Collection method: clinical testing. Allele origin: unknown.